The following is an entry in ClinVar:

NM_006282.5(STK4):c.922C>T (p.Gln308Ter)

Gene: STK4 (serine/threonine kinase 4; plus strand). Cytogenetic location: 20q13.12.
Variant type: single nucleotide variant.
Coding change: c.922C>T on transcript NM_006282.5 (MANE Select); coding-DNA position 922, C replaced by T.
Protein change: p.Gln308Ter; replaces glutamine 308 with a stop codon.
Molecular consequence: nonsense.
Genome position (GRCh38, 1-based): chr20:45,000,482, C>T. VCF-style: chr20-45000482-C-T. GRCh37 (hg19) VCF-style: chr20-43629123-C-T.
Other names: c.922C>T, p.Gln308Ter (NM_001352385.2); short protein forms Q308*.
Identifiers: ClinVar variation 1068530 (VCV001068530.7), dbSNP rs2145695502, ClinGen allele CA409126300.

ClinVar aggregate classification (germline): Pathogenic (1 of 4 stars; one submission).

Conditions:
Combined immunodeficiency due to STK4 deficiency (IMD110). Also called: T-cell immunodeficiency, recurrent infections, and autoimmunity with or without cardiac malformations; STK4 DEFICIENCY; MST1 DEFICIENCY. Identifiers: Orphanet 314689, MedGen C3553943, MONDO:0013934, OMIM 614868.

Submission:

Labcorp Genetics (formerly Invitae), Labcorp
Classification: Pathogenic for Combined immunodeficiency due to STK4 deficiency. Last evaluated: 2020-03-01. Review status: criteria provided, single submitter. Criteria: Invitae Variant Classification Sherloc (09022015). Collection method: clinical testing. Allele origin: germline.
Comment: For these reasons, this variant has been classified as Pathogenic. Loss-of-function variants in STK4 are known to be pathogenic (PMID: 22174160). This variant has not been reported in the literature in individuals with STK4-related conditions. This variant is not present in population databases (ExAC no frequency). This sequence change creates a premature translational stop signal (p.Gln308*) in the STK4 gene. It is expected to result in an absent or disrupted protein product.

Literature cited by the submitters: PubMed 22174160.